The following is an entry in ClinVar:

ClinVar aggregate classification (germline): Uncertain significance (1 of 4 stars; one submission).

Allele frequency attached by ClinVar (database versions not stated): TOPMed below 0.00001; gnomAD 0.00001.
gnomAD v4.1: 1 of 1,612,772 alleles (0.000062%); highest among the groups gnomAD compares: Non-Finnish European, 0.000085%; no homozygotes.

Submission:

Ambry Genetics
Classification: Uncertain significance. Last evaluated: 2023-05-04. Review status: criteria provided, single submitter. Criteria: Ambry Variant Classification Scheme 2023. Collection method: clinical testing. Allele origin: germline.
Comment: Occurs in the last base pair of the exon Based on insufficient or conflicting evidence, the clinical significance of this alteration remains unclear.

Literature cited by the submitters: PubMed 36413997.

NM_003640.5(ELP1):c.958G>A (p.Val320Ile)

Gene: ELP1 (elongator acetyltransferase complex subunit 1; minus strand). Cytogenetic location: 9q31.3.
Variant type: single nucleotide variant.
Coding change: c.958G>A on transcript NM_003640.5 (MANE Select); coding-DNA position 958, G replaced by A.
Protein change: p.Val320Ile; replaces valine 320 with isoleucine.
Molecular consequence: missense variant. On other transcripts: 5 prime UTR variant (1).
Genome position (GRCh38, 1-based): chr9:108,916,204, C>T on the plus strand (G>A on the coding strand, the complement: ELP1 is on the minus strand). VCF-style: chr9-108916204-C-T. GRCh37 (hg19) VCF-style: chr9-111678484-C-T.
Other names: c.616G>A, p.Val206Ile (NM_001318360.2); c.-90G>A (NM_001330749.2); short protein forms V320I, V206I.
Identifiers: ClinVar variation 2538567 (VCV002538567.2), dbSNP rs145866678, ClinGen allele CA197520398.